The following is an entry in ClinVar:

NM_000138.5(FBN1):c.823G>A (p.Ala275Thr)

Gene: FBN1 (fibrillin 1; minus strand). Cytogenetic location: 15q21.1.
Variant type: single nucleotide variant.
Coding change: c.823G>A on transcript NM_000138.5 (MANE Select); coding-DNA position 823, G replaced by A.
Protein change: p.Ala275Thr; replaces alanine 275 with threonine.
Molecular consequence: missense variant.
Genome position (GRCh38, 1-based): chr15:48,534,119, C>T on the plus strand (G>A on the coding strand, the complement: FBN1 is on the minus strand). VCF-style: chr15-48534119-C-T. GRCh37 (hg19) VCF-style: chr15-48826316-C-T.
Other names: short protein forms A275T.
Identifiers: ClinVar variation 834418 (VCV000834418.10), dbSNP rs1345051744, ClinGen allele CA392352434.
Genomic context (GRCh38, chr15:48,534,119, plus strand): 5'-GCAAAGCATAAGATTTCTTACCTTCACATTTTTGTGACACTTCATTAAGTTTGTGTCCAG[C>T]AGGGCATTTGCACTCAAAAGACCCAACAGTATTAATGCAATTTCCTCCCTGACAGAGCCC-3'
Protein context (NP_000129.3, residues 265-285): TVGSFECKCP[Ala275Thr]GHKLNEVSQK

ClinVar aggregate classification (germline): Uncertain significance. Review status: criteria provided, multiple submitters, no conflicts (2 of 4 stars). 2 submissions from 2 submitters: Uncertain significance (2). Last evaluated 2024-02-17.

Conditions:
Familial thoracic aortic aneurysm and aortic dissection (TAAD). Also called: Thoracic aortic aneurysms and dissections. Identifiers: Orphanet 91387, MedGen C4707243, MONDO:0019625.
Marfan syndrome (MFS). Also called: FBN1-Related Marfan Syndrome; Marfan's syndrome; MARFAN SYNDROME, TYPE I; Marfan syndrome type 1; Marfan syndrome, classic. Identifiers: Orphanet 284963, Orphanet 558, MedGen C0024796, MONDO:0007947, OMIM 154700.

Allele frequency attached by ClinVar (database versions not stated): TOPMed 0.00002.
gnomAD v4.1: 7 of 1,613,570 alleles (0.00043%); highest among the groups gnomAD compares: Non-Finnish European, 0.00059%; no homozygotes.

Submissions (2):

Labcorp Genetics (formerly Invitae), Labcorp
Classification: Uncertain significance for Marfan syndrome; Familial thoracic aortic aneurysm and aortic dissection. Last evaluated: 2024-02-17. Review status: criteria provided, single submitter. Criteria: Invitae Variant Classification Sherloc (09022015). Collection method: clinical testing. Allele origin: germline.
Comment: This sequence change replaces alanine, which is neutral and non-polar, with threonine, which is neutral and polar, at codon 275 of the FBN1 protein (p.Ala275Thr). This variant is not present in population databases (gnomAD no frequency). This variant has not been reported in the literature in individuals affected with FBN1-related conditions. ClinVar contains an entry for this variant (Variation ID: 834418). Advanced modeling of protein sequence and biophysical properties (such as structural, functional, and spatial information, amino acid conservation, physicochemical variation, residue mobility, and thermodynamic stability) has been performed at Invitae for this missense variant, however the output from this modeling did not meet the statistical confidence thresholds required to predict the impact of this variant on FBN1 protein function. In summary, the available evidence is currently insufficient to determine the role of this variant in disease. Therefore, it has been classified as a Variant of Uncertain Significance.

All of Us Research Program, National Institutes of Health
Classification: Uncertain significance for Marfan syndrome. Last evaluated: 2023-09-17. Review status: criteria provided, single submitter. Criteria: ACMG Guidelines, 2015. Collection method: clinical testing. Allele origin: germline. Inheritance: Autosomal dominant inheritance. Observed: 3 variant alleles, 3 heterozygotes.
Comment: This missense variant replaces alanine with threonine at codon 275 of the FBN1 protein. Computational prediction is inconclusive regarding the impact of this variant on protein structure and function (internally defined REVEL score threshold 0.5 < inconclusive < 0.7, PMID: 27666373). To our knowledge, functional studies have not been reported for this variant. This variant has not been reported in individuals affected with FBN1-related disorders in the literature. This variant has not been identified in the general population by the Genome Aggregation Database (gnomAD). The available evidence is insufficient to determine the role of this variant in disease conclusively. Therefore, this variant is classified as a Variant of Uncertain Significance.

This study involves interpretation of variants in research participants for the purpose of population health screening. Participant phenotype was not available at the time of variant classification. Additional details can be found in publication PMID: 35346344, PMCID: PMC8962531